The following is an entry in ClinVar:

ClinVar aggregate classification (germline): Uncertain significance. Review status: criteria provided, multiple submitters, no conflicts (2 of 4 stars). 4 submissions from 4 submitters: Uncertain significance (4). Last evaluated 2025-08-09.

Conditions:
Hereditary cancer-predisposing syndrome. Also called: Neoplastic Syndromes, Hereditary; Tumor predisposition; Hereditary Cancer Syndrome; Hereditary neoplastic syndrome. Identifiers: Orphanet 140162, MedGen C0027672, MeSH D009386, MONDO:0015356.

Allele frequency attached by ClinVar (database versions not stated): gnomAD exomes below 0.00001 and 0.00001; gnomAD 0.00001; TOPMed 0.00001.
gnomAD v4.1: 8 of 1,613,950 alleles (0.0005%); highest among the groups gnomAD compares: South Asian, 0.0011%; no homozygotes.

Submissions (4):

Labcorp Genetics (formerly Invitae), Labcorp
Classification: Uncertain significance. Last evaluated: 2025-08-09. Review status: criteria provided, single submitter. Criteria: Invitae Variant Classification Sherloc (09022015). Collection method: clinical testing. Allele origin: germline.
Comment: This sequence change replaces isoleucine, which is neutral and non-polar, with threonine, which is neutral and polar, at codon 1864 of the POLE protein (p.Ile1864Thr). This variant is present in population databases (no rsID available, gnomAD 0.002%). This variant has not been reported in the literature in individuals affected with POLE-related conditions. ClinVar contains an entry for this variant (Variation ID: 473748). Invitae Evidence Modeling of protein sequence and biophysical properties (such as structural, functional, and spatial information, amino acid conservation, physicochemical variation, residue mobility, and thermodynamic stability) indicates that this missense variant is not expected to disrupt POLE protein function with a negative predictive value of 80%. In summary, the available evidence is currently insufficient to determine the role of this variant in disease. Therefore, it has been classified as a Variant of Uncertain Significance.

Ambry Genetics
Classification: Uncertain significance for Hereditary cancer-predisposing syndrome. Last evaluated: 2024-12-28. Review status: criteria provided, single submitter. Criteria: Ambry Variant Classification Scheme 2023. Collection method: clinical testing. Allele origin: germline.
Comment: The p.I1864T variant (also known as c.5591T>C), located in coding exon 41 of the POLE gene, results from a T to C substitution at nucleotide position 5591. The isoleucine at codon 1864 is replaced by threonine, an amino acid with similar properties. This amino acid position is poorly conserved in available vertebrate species. In addition, the in silico prediction for this alteration is inconclusive. Based on the available evidence, the clinical significance of this variant remains unclear.

GeneDx
Classification: Uncertain significance. Last evaluated: 2023-09-06. Review status: criteria provided, single submitter. Criteria: GeneDx Variant Classification Process June 2021. Collection method: clinical testing. Allele origin: germline. Affected: yes.
Comment: Not observed at significant frequency in large population cohorts (gnomAD); In silico analysis supports that this missense variant has a deleterious effect on protein structure/function; Has not been previously published as pathogenic or benign to our knowledge

Laboratory for Molecular Medicine, Mass General Brigham Personalized Medicine
Classification: Uncertain significance. Last evaluated: 2016-12-28. Review status: criteria provided, single submitter. Criteria: LMM Criteria. Collection method: clinical testing. Allele origin: germline. Observed: 1 variant allele.
Comment: The p.Ile1864Thr variant in POLE has not been previously reported in individuals with colorectal cancer and was absent from large population studies. Computatio nal prediction tools and conservation analysis suggest that the p.Ile1864Thr var iant may impact the protein, though this information is not predictive enough to determine pathogenicity. In summary, the clinical significance of the p.Ile1864 Thr variant is uncertain.

NM_006231.4(POLE):c.5591T>C (p.Ile1864Thr)

Gene: POLE (DNA polymerase epsilon, catalytic subunit; minus strand). Cytogenetic location: 12q24.33.
Variant type: single nucleotide variant.
Coding change: c.5591T>C on transcript NM_006231.4 (MANE Select); coding-DNA position 5591, T replaced by C.
Protein change: p.Ile1864Thr; replaces isoleucine 1864 with threonine.
Molecular consequence: missense variant.
Genome position (GRCh38, 1-based): chr12:132,638,101, A>G on the plus strand (T>C on the coding strand, the complement: POLE is on the minus strand). VCF-style: chr12-132638101-A-G. GRCh37 (hg19) VCF-style: chr12-133214687-A-G.
Other names: short protein forms I1864T.
Identifiers: ClinVar variation 473748 (VCV000473748.19), dbSNP rs896266569, ClinGen allele CA246298716.